The following is an entry in ClinVar:

ClinVar aggregate classification (germline): Pathogenic (1 of 4 stars; one submission).

Conditions:
Ataxia-telangiectasia-like disorder (ATLD). Identifiers: MedGen C1858391, MONDO:0011457.

Submission:

Labcorp Genetics (formerly Invitae), Labcorp
Classification: Pathogenic for Ataxia-telangiectasia-like disorder. Last evaluated: 2023-09-04. Review status: criteria provided, single submitter. Criteria: Invitae Variant Classification Sherloc (09022015). Collection method: clinical testing. Allele origin: unknown.
Comment: This variant is a gross deletion of the genomic region encompassing exon(s) 2-7 of the MRE11 gene, which includes the initiator codon. This deletion extends beyond the assayed region for this gene and therefore may encompass additional genes. It is expected to result in an absent or disrupted protein product. Loss-of-function variants in MRE11 are known to be pathogenic (PMID: 23080121, 23912341). This variant has not been reported in the literature in individuals affected with MRE11-related conditions. For these reasons, this variant has been classified as Pathogenic.

Literature cited by the submitters: PubMed 23080121; PubMed 23912341.

NC_000011.9:g.(?_94209445)_(94225967_?)del

Gene: MRE11 (MRE11 homolog, double strand break repair nuclease; minus strand). Cytogenetic location: 11q21.
Variant type: Deletion.
Identifiers: ClinVar variation 3244638 (VCV003244638.1).